The following is an entry in ClinVar:

NM_005921.2(MAP3K1):c.834+9A>G

Gene: MAP3K1 (mitogen-activated protein kinase kinase kinase 1; plus strand). Cytogenetic location: 5q11.2.
Variant type: single nucleotide variant.
Coding change: c.834+9A>G on transcript NM_005921.2 (MANE Select); 9 bases into the intron after coding-DNA position 834, A replaced by G.
Molecular consequence: intron variant.
Genome position (GRCh38, 1-based): chr5:56,859,924, A>G. VCF-style: chr5-56859924-A-G. GRCh37 (hg19) VCF-style: chr5-56155751-A-G.
Identifiers: ClinVar variation 772572 (VCV000772572.19), dbSNP rs73135067, ClinGen allele CA3272612.

ClinVar aggregate classification (germline): Benign/Likely benign. Review status: criteria provided, multiple submitters, no conflicts (2 of 4 stars). 5 submissions from 5 submitters: Benign (1); Likely benign (3). 1 of the submissions does not count toward it. Last evaluated 2025-12-15.

Conditions:
MAP3K1-related disorder. Also called: MAP3K1-related condition.
46,XY sex reversal 6. Also called: 46,XY SEX REVERSAL, PARTIAL OR COMPLETE, MAP3K1-RELATED; 46,XY GONADAL DYSGENESIS, PARTIAL OR COMPLETE, MAP3K1-RELATED. Identifiers: MedGen C3151064, MONDO:0013410, OMIM 613762.

Allele frequency attached by ClinVar (database versions not stated): gnomAD exomes 0.00031 and 0.00085; ExAC 0.00124; ESP Exome Variant Server 0.00303; gnomAD 0.00318 and 0.00344; 1000 Genomes Project 0.00339; TOPMed 0.00351; 1000 Genomes Project 30x 0.00453.
gnomAD v4.1: 944 of 1,593,842 alleles (0.059%); highest among the groups gnomAD compares: African/African-American, 1.1%; 5 homozygotes.

Submissions (8):

Labcorp Genetics (formerly Invitae), Labcorp
Classification: Benign for 46,XY sex reversal 6. Last evaluated: 2025-12-15. Review status: criteria provided, single submitter. Criteria: Invitae Variant Classification Sherloc (09022015). Collection method: clinical testing. Allele origin: germline.

Blueprint Genetics
Classification: Likely benign. Last evaluated: 2024-06-27. Review status: criteria provided, single submitter. Criteria: ACMG Guidelines, 2015. Collection method: clinical testing. Allele origin: germline.

Genetic Services Laboratory, University of Chicago
Classification: Likely benign. Last evaluated: 2021-11-15. Review status: criteria provided, single submitter. Criteria: ACMG Guidelines, 2015. Collection method: clinical testing. Allele origin: germline. Affected: no.

Breakthrough Genomics
Classification: Likely benign. Review status: criteria provided, single submitter. Criteria: ACMG Guidelines, 2015. Collection method: not provided. Allele origin: germline. Inheritance: Autosomal dominant inheritance. Affected: yes.

PreventionGenetics, part of Exact Sciences
Classification: Benign for MAP3K1-related condition. Last evaluated: 2019-05-16. Review status: no assertion criteria provided. Collection method: clinical testing. Allele origin: germline. Not counted in ClinVar's aggregate classification.
Comment: This variant is classified as benign based on ACMG/AMP sequence variant interpretation guidelines (Richards et al. 2015 PMID: 25741868, with internal and published modifications).

Dr. Peter K. Rogan Lab, Western University
No classification provided (evidence only). Condition: Uterine corpus endometrial carcinoma. Review status: no classification provided. Collection method: in vitro. Allele origin: not applicable. Functional consequence: retained intron. Not counted in ClinVar's aggregate classification.

Dr. Peter K. Rogan Lab, Western University
No classification provided (evidence only). Condition: Cervical cancer. Review status: no classification provided. Collection method: in vitro. Allele origin: not applicable. Functional consequence: retained intron. Not counted in ClinVar's aggregate classification.

Dr. Peter K. Rogan Lab, Western University
No classification provided (evidence only). Condition: Uterine carcinosarcoma. Review status: no classification provided. Collection method: in vitro. Allele origin: not applicable. Functional consequence: retained intron. Not counted in ClinVar's aggregate classification.